The following is an entry in ClinVar:

ClinVar aggregate classification (germline): Benign/Likely benign. Review status: criteria provided, multiple submitters, no conflicts (2 of 4 stars). 6 submissions from 5 submitters: Benign (4); Likely benign (1). 1 of the submissions does not count toward it. Last evaluated 2026-01-26.

Conditions:
Baraitser-Winter syndrome 1 (BRWS1). Also called: PACHYGYRIA, MENTAL RETARDATION, EPILEPSY, AND CHARACTERISTIC FACIES; MENTAL RETARDATION WITH EPILEPSY AND CHARACTERISTIC FACIES; Cerebrofrontofacial syndrome; BARAITSER-WINTER SYNDROME 1, ATYPICAL. Identifiers: Orphanet 2649, Orphanet 2995, MedGen C1855722, MONDO:0009470, OMIM 243310.
Developmental malformations-deafness-dystonia syndrome (DDS1). Identifiers: Orphanet 79107, MedGen C5848323, MONDO:0011823, OMIM 607371.
ACTB-related disorder. Also called: ACTB-related condition; ACTB-related disorders.

Allele frequency attached by ClinVar (database versions not stated): gnomAD 0.00018 and 0.00019; 1000 Genomes Project 0.00040; 1000 Genomes Project 30x 0.00047; TOPMed 0.00048; ExAC 0.00080; gnomAD exomes 0.00106.
gnomAD v4.1: 348 of 1,613,960 alleles (0.022%); highest among the groups gnomAD compares: Admixed American, 0.53%; no homozygotes.

Submissions (6):

Labcorp Genetics (formerly Invitae), Labcorp
Classification: Benign for Baraitser-Winter syndrome 1. Last evaluated: 2026-01-26. Review status: criteria provided, single submitter. Criteria: Invitae Variant Classification Sherloc (09022015). Collection method: clinical testing. Allele origin: germline.

Blueprint Genetics
Classification: Likely benign. Last evaluated: 2024-11-11. Review status: criteria provided, single submitter. Criteria: ACMG Guidelines, 2015. Collection method: clinical testing. Allele origin: germline.

Genome-Nilou Lab
Classification: Benign for Baraitser-Winter syndrome 1. Last evaluated: 2021-12-05. Review status: criteria provided, single submitter. Criteria: ACMG Guidelines, 2015. Collection method: clinical testing. Allele origin: germline. Affected: no.

Genome-Nilou Lab
Classification: Benign for Developmental malformations-deafness-dystonia syndrome. Last evaluated: 2021-12-05. Review status: criteria provided, single submitter. Criteria: ACMG Guidelines, 2015. Collection method: clinical testing. Allele origin: germline. Affected: no.

GeneDx
Classification: Benign. Last evaluated: 2019-09-09. Review status: criteria provided, single submitter. Criteria: GeneDx Variant Classification Process June 2021. Collection method: clinical testing. Allele origin: germline. Affected: yes.

PreventionGenetics, part of Exact Sciences
Classification: Benign for ACTB-related condition. Last evaluated: 2019-09-05. Review status: no assertion criteria provided. Collection method: clinical testing. Allele origin: germline. Not counted in ClinVar's aggregate classification.
Comment: This variant is classified as benign based on ACMG/AMP sequence variant interpretation guidelines (Richards et al. 2015 PMID: 25741868, with internal and published modifications).

NM_001101.5(ACTB):c.124-4C>T

Gene: ACTB (actin beta; minus strand). Cytogenetic location: 7p22.1.
Variant type: single nucleotide variant.
Coding change: c.124-4C>T on transcript NM_001101.5 (MANE Select); 4 bases into the intron before coding-DNA position 124, C replaced by T.
Molecular consequence: intron variant.
Genome position (GRCh38, 1-based): chr7:5,529,404, G>A on the plus strand (C>T on the coding strand, the complement: ACTB is on the minus strand). VCF-style: chr7-5529404-G-A. GRCh37 (hg19) VCF-style: chr7-5569035-G-A.
Other names: c.124-4C>T (LRG_132t1).
Identifiers: ClinVar variation 380782 (VCV000380782.17), dbSNP rs13447397, ClinGen allele CA4147138.